The following is an entry in ClinVar:

ClinVar aggregate classification (germline): Benign/Likely benign. Review status: criteria provided, multiple submitters, no conflicts (2 of 4 stars). 4 submissions from 4 submitters: Benign (1); Likely benign (2). 1 of the submissions does not count toward it. Last evaluated 2026-04-01.

Conditions:
SLX4-related disorder. Also called: SLX4-related condition.
Fanconi anemia (FA). Also called: Fanconi's anemia. Identifiers: Orphanet 84, MedGen C0015625, MeSH D005199, MONDO:0019391.

Allele frequency attached by ClinVar (database versions not stated): TOPMed 0.00005; gnomAD exomes 0.00007 and 0.00018; gnomAD 0.00012 and 0.00013; ExAC 0.00013; ESP Exome Variant Server 0.00015.
gnomAD v4.1: 127 of 1,612,416 alleles (0.0079%); highest among the groups gnomAD compares: African/African-American, 0.015%; 1 homozygote.

Submissions (4):

CeGaT Center for Human Genetics Tuebingen
Classification: Likely benign. Last evaluated: 2026-04-01. Review status: criteria provided, single submitter. Criteria: CeGaT Center For Human Genetics Tuebingen Variant Classification Criteria Version 2. Collection method: clinical testing. Allele origin: germline. Affected: yes. Observed: 2 variant alleles.
Comment: SLX4: BP4, BP7

Labcorp Genetics (formerly Invitae), Labcorp
Classification: Benign for Fanconi anemia. Last evaluated: 2025-12-20. Review status: criteria provided, single submitter. Criteria: Invitae Variant Classification Sherloc (09022015). Collection method: clinical testing. Allele origin: germline.

Blueprint Genetics
Classification: Likely benign. Last evaluated: 2024-07-01. Review status: criteria provided, single submitter. Criteria: ACMG Guidelines, 2015. Collection method: clinical testing. Allele origin: germline.

PreventionGenetics, part of Exact Sciences
Classification: Likely benign for SLX4-related condition. Last evaluated: 2019-06-25. Review status: no assertion criteria provided. Collection method: clinical testing. Allele origin: germline. Not counted in ClinVar's aggregate classification.
Comment: This variant is classified as likely benign based on ACMG/AMP sequence variant interpretation guidelines (Richards et al. 2015 PMID: 25741868, with internal and published modifications).

NM_032444.4(SLX4):c.2226C>T (p.Asp742=)

Gene: SLX4 (SLX4 structure-specific endonuclease subunit; minus strand). Cytogenetic location: 16p13.3.
Variant type: single nucleotide variant.
Coding change: c.2226C>T on transcript NM_032444.4 (MANE Select); coding-DNA position 2226, C replaced by T.
Protein change: p.Asp742=; no amino-acid change (aspartic acid 742 retained).
Molecular consequence: synonymous variant.
Genome position (GRCh38, 1-based): chr16:3,592,800, G>A on the plus strand (C>T on the coding strand, the complement: SLX4 is on the minus strand). VCF-style: chr16-3592800-G-A. GRCh37 (hg19) VCF-style: chr16-3642801-G-A.
Other names: c.2226C>T (NM_032444.3).
Identifiers: ClinVar variation 1585063 (VCV001585063.25), dbSNP rs376261173, ClinGen allele CA7866229.